The following is an entry in ClinVar:

ClinVar aggregate classification (germline): Uncertain significance. Review status: criteria provided, multiple submitters, no conflicts (2 of 4 stars). 2 submissions from 2 submitters: Uncertain significance (2). Last evaluated 2023-02-28.

Conditions:
Epilepsy, familial adult myoclonic, 5 (EPEO5). Also called: CORTICAL MYOCLONIC TREMOR WITH EPILEPSY, FAMILIAL, 5. Identifiers: Orphanet 86814, MedGen C3809374, MONDO:0014167, OMIM 615400.

Allele frequency attached by ClinVar (database versions not stated): gnomAD below 0.00001 and 0.00001; gnomAD exomes 0.00001; ExAC 0.00002; TOPMed 0.00002; ESP Exome Variant Server 0.00008.
gnomAD v4.1: 28 of 1,614,024 alleles (0.0017%); highest among the groups gnomAD compares: South Asian, 0.0055%; no homozygotes.

Submissions (2):

Ambry Genetics
Classification: Uncertain significance. Last evaluated: 2023-02-28. Review status: criteria provided, single submitter. Criteria: Ambry Variant Classification Scheme 2023. Collection method: clinical testing. Allele origin: germline.

Labcorp Genetics (formerly Invitae), Labcorp
Classification: Uncertain significance for Epilepsy, familial adult myoclonic, 5. Last evaluated: 2022-08-22. Review status: criteria provided, single submitter. Criteria: Invitae Variant Classification Sherloc (09022015). Collection method: clinical testing. Allele origin: germline.
Comment: This sequence change replaces aspartic acid, which is acidic and polar, with asparagine, which is neutral and polar, at codon 621 of the CNTN2 protein (p.Asp621Asn). This variant is present in population databases (rs140285037, gnomAD 0.006%). This variant has not been reported in the literature in individuals affected with CNTN2-related conditions. ClinVar contains an entry for this variant (Variation ID: 962948). Advanced modeling of protein sequence and biophysical properties (such as structural, functional, and spatial information, amino acid conservation, physicochemical variation, residue mobility, and thermodynamic stability) performed at Invitae indicates that this missense variant is not expected to disrupt CNTN2 protein function. In summary, the available evidence is currently insufficient to determine the role of this variant in disease. Therefore, it has been classified as a Variant of Uncertain Significance.

NM_005076.5(CNTN2):c.1861G>A (p.Asp621Asn)

Gene: CNTN2 (contactin 2; plus strand). Cytogenetic location: 1q32.1.
Variant type: single nucleotide variant.
Coding change: c.1861G>A on transcript NM_005076.5 (MANE Select); coding-DNA position 1861, G replaced by A.
Protein change: p.Asp621Asn; replaces aspartic acid 621 with asparagine.
Molecular consequence: missense variant. On other transcripts: non-coding transcript variant (1).
Genome position (GRCh38, 1-based): chr1:205,066,485, G>A. VCF-style: chr1-205066485-G-A. GRCh37 (hg19) VCF-style: chr1-205035613-G-A.
Other names: c.1861G>A, p.Asp621Asn (NM_001346083.2); short protein forms D621N.
Identifiers: ClinVar variation 962948 (VCV000962948.8), dbSNP rs140285037, ClinGen allele CA1351519.